The following is an entry in ClinVar:

NM_001370259.2(MEN1):c.530del (p.Leu177fs)

Gene: MEN1 (menin 1; minus strand). Cytogenetic location: 11q13.1.
Variant type: Deletion.
Coding change: c.530del on transcript NM_001370259.2 (MANE Select); coding-DNA position 530, one base deleted (T; older notation c.530delT).
Protein change: p.Leu177fs; shifts the reading frame from leucine 177.
Molecular consequence: frameshift variant.
Genome position (GRCh38, 1-based): chr11:64,808,015, A deleted on the plus strand (T on the coding strand, the reverse complement: MEN1 is on the minus strand). VCF-style (leftmost placement, unchanged base first): chr11-64808014-CA-C. GRCh37 (hg19) VCF-style: chr11-64575486-CA-C.
Other names: c.530delT (NM_130799.2); c.545del, p.Leu182fs (NM_000244.4, NM_130800.3, NM_130801.3 and 3 more transcripts); c.530del, p.Leu177fs (NM_001370251.2, NM_001370260.2, NM_001370261.2 and 3 more transcripts); short protein forms L182fs, L177fs.
Identifiers: ClinVar variation 428043 (VCV000428043.6), dbSNP rs1114167503, ClinGen allele CA645369575.

ClinVar aggregate classification (germline): Pathogenic (1 of 4 stars; one submission).

Conditions:
Hereditary cancer-predisposing syndrome. Also called: Hereditary Cancer Syndrome; Neoplastic Syndromes, Hereditary; Hereditary neoplastic syndrome; Tumor predisposition. Identifiers: Orphanet 140162, MedGen C0027672, MeSH D009386, MONDO:0015356.

Submission:

Ambry Genetics
Classification: Pathogenic for Hereditary cancer-predisposing syndrome. Last evaluated: 2022-10-14. Review status: criteria provided, single submitter. Criteria: Ambry Variant Classification Scheme 2023. Collection method: clinical testing. Allele origin: germline.
Comment: The c.530delT pathogenic mutation, located in coding exon 2 of the MEN1 gene, results from a deletion of one nucleotide at nucleotide position 530, causing a translational frameshift with a predicted alternate stop codon (p.L177Rfs*8). This alteration is expected to result in loss of function by premature protein truncation or nonsense-mediated mRNA decay. As such, this alteration is interpreted as a disease-causing mutation.